The following is an entry in ClinVar:

ClinVar aggregate classification (germline): Uncertain significance (1 of 4 stars; one submission).

Allele frequency attached by ClinVar (database versions not stated): TOPMed 0.00001.
gnomAD v4.1: 24 of 1,610,964 alleles (0.0015%); highest among the groups gnomAD compares: South Asian, 0.0033%; no homozygotes.

Submission:

GeneDx
Classification: Uncertain significance. Last evaluated: 2019-12-15. Review status: criteria provided, single submitter. Criteria: GeneDx Variant Classification Process June 2021. Collection method: clinical testing. Allele origin: germline. Affected: yes.
Comment: Not observed at a significant frequency in large population cohorts (Lek et al., 2016); In silico analysis, which includes protein predictors and evolutionary conservation, supports that this variant does not alter protein structure/function; Has not been previously published as pathogenic or benign to our knowledge

NM_000412.5(HRG):c.733G>A (p.Asp245Asn)

Gene: HRG (histidine rich glycoprotein; plus strand). Cytogenetic location: 3q27.3.
Variant type: single nucleotide variant.
Coding change: c.733G>A on transcript NM_000412.5 (MANE Select); coding-DNA position 733, G replaced by A.
Protein change: p.Asp245Asn; replaces aspartic acid 245 with asparagine.
Molecular consequence: missense variant.
Genome position (GRCh38, 1-based): chr3:186,675,182, G>A. VCF-style: chr3-186675182-G-A. GRCh37 (hg19) VCF-style: chr3-186392971-G-A.
Other names: short protein forms D245N.
Identifiers: ClinVar variation 1303235 (VCV001303235.2), dbSNP rs201213205, ClinGen allele CA2745776.